The following is an entry in ClinVar:

ClinVar aggregate classification (germline): Likely pathogenic (1 of 4 stars; one submission).

Submission:

Labcorp Genetics (formerly Invitae), Labcorp
Classification: Likely pathogenic. Last evaluated: 2023-05-23. Review status: criteria provided, single submitter. Criteria: Invitae Variant Classification Sherloc (09022015). Collection method: clinical testing. Allele origin: germline.
Comment: This variant is not present in population databases (gnomAD no frequency). This sequence change affects a donor splice site in intron 3 of the POLE gene. It is expected to disrupt RNA splicing. Variants that disrupt the donor or acceptor splice site typically lead to a loss of protein function (PMID: 16199547), and loss-of-function variants in POLE are known to be pathogenic (PMID: 23230001, 25948378, 30503519). This variant has not been reported in the literature in individuals affected with POLE-related conditions. In summary, the currently available evidence indicates that the variant is pathogenic, but additional data are needed to prove that conclusively. Therefore, this variant has been classified as Likely Pathogenic. Algorithms developed to predict the effect of sequence changes on RNA splicing suggest that this variant may disrupt the consensus splice site.

Literature cited by the submitters: PubMed 16199547; PubMed 23230001; PubMed 25948378; PubMed 30503519.

NM_006231.4(POLE):c.285+1G>A

Gene: POLE (DNA polymerase epsilon, catalytic subunit; minus strand). Cytogenetic location: 12q24.33.
Variant type: single nucleotide variant.
Coding change: c.285+1G>A on transcript NM_006231.4 (MANE Select); the canonical splice donor site of the intron after coding-DNA position 285, G replaced by A.
Molecular consequence: splice donor variant.
Genome position (GRCh38, 1-based): chr12:132,680,606, C>T on the plus strand (G>A on the coding strand, the complement: POLE is on the minus strand). VCF-style: chr12-132680606-C-T. GRCh37 (hg19) VCF-style: chr12-133257192-C-T.
Identifiers: ClinVar variation 2748332 (VCV002748332.3), dbSNP rs2542193673, ClinGen allele CA387368998.